The following is an entry in ClinVar:

NM_001111.5(ADAR):c.3571G>A (p.Asp1191Asn)

Gene: ADAR (adenosine deaminase RNA specific; minus strand). Cytogenetic location: 1q21.3.
Variant type: single nucleotide variant.
Coding change: c.3571G>A on transcript NM_001111.5 (MANE Select); coding-DNA position 3571, G replaced by A.
Protein change: p.Asp1191Asn; replaces aspartic acid 1191 with asparagine.
Molecular consequence: missense variant.
Genome position (GRCh38, 1-based): chr1:154,584,916, C>T on the plus strand (G>A on the coding strand, the complement: ADAR is on the minus strand). VCF-style: chr1-154584916-C-T. GRCh37 (hg19) VCF-style: chr1-154557392-C-T.
Other names: c.2686G>A, p.Asp896Asn (NM_001025107.3, NM_001193495.2, NM_001365046.1 and 2 more transcripts); c.3598G>A, p.Asp1200Asn (NM_001365045.1); c.2608G>A, p.Asp870Asn (NM_001365049.1); c.3493G>A, p.Asp1165Asn (NM_015840.4); c.3436G>A, p.Asp1146Asn (NM_015841.4); short protein forms D1146N, D1165N, D1191N, D1200N, D870N, D896N.
Identifiers: ClinVar variation 3758160 (VCV003758160.2).

ClinVar aggregate classification (germline): Uncertain significance (1 of 4 stars; one submission).

Conditions:
Symmetrical dyschromatosis of extremities (DSH). Also called: DYSCHROMATOSIS SYMMETRICA HEREDITARIA 1; RETICULATE ACROPIGMENTATION OF DOHI; SYMMETRIC DYSCHROMATOSIS OF THE EXTREMITIES; Dyschromatosis symmetrica hereditaria. Identifiers: Orphanet 41, MedGen C0406775, MONDO:0007483, OMIM 127400.
Aicardi-Goutieres syndrome 6 (AGS6). Identifiers: Orphanet 51, MedGen C3539013, MONDO:0014007, OMIM 615010.

Submission:

Labcorp Genetics (formerly Invitae), Labcorp
Classification: Uncertain significance for Aicardi-Goutieres syndrome 6; Symmetrical dyschromatosis of extremities. Last evaluated: 2024-11-27. Review status: criteria provided, single submitter. Criteria: Invitae Variant Classification Sherloc (09022015). Collection method: clinical testing. Allele origin: germline.
Comment: This sequence change replaces aspartic acid, which is acidic and polar, with asparagine, which is neutral and polar, at codon 1191 of the ADAR protein (p.Asp1191Asn). This variant is not present in population databases (gnomAD no frequency). This variant has not been reported in the literature in individuals affected with ADAR-related conditions. Invitae Evidence Modeling of protein sequence and biophysical properties (such as structural, functional, and spatial information, amino acid conservation, physicochemical variation, residue mobility, and thermodynamic stability) indicates that this missense variant is not expected to disrupt ADAR protein function with a negative predictive value of 80%. In summary, the available evidence is currently insufficient to determine the role of this variant in disease. Therefore, it has been classified as a Variant of Uncertain Significance.